The following is an entry in ClinVar:

NM_201525.4(ADGRG1):c.290A>G (p.His97Arg)

Gene: ADGRG1 (adhesion G protein-coupled receptor G1; plus strand). Cytogenetic location: 16q21.
Variant type: single nucleotide variant.
Coding change: c.290A>G on transcript NM_201525.4 (MANE Select); coding-DNA position 290, A replaced by G.
Protein change: p.His97Arg; replaces histidine 97 with arginine.
Molecular consequence: missense variant. On other transcripts: 5 prime UTR variant (5), intron variant (1).
Genome position (GRCh38, 1-based): chr16:57,651,425, A>G. VCF-style: chr16-57651425-A-G. GRCh37 (hg19) VCF-style: chr16-57685337-A-G.
Other names: c.290A>G, p.His97Arg (NM_001145770.3, NM_001145771.3, NM_001145772.3 and 16 more transcripts); c.305A>G, p.His102Arg (NM_001145773.3, NM_001370433.1); c.-236A>G (NM_001290143.2, NM_001290144.2, NM_001370451.1 and 2 more transcripts); c.134A>G, p.His45Arg (NM_001370442.1); c.110+180A>G (NM_001290142.2); c.290A>G (NM_005682.5); short protein forms H45R, H97R, H102R.
Identifiers: ClinVar variation 2163751 (VCV002163751.3), dbSNP rs759839737, ClinGen allele CA8078332.

ClinVar aggregate classification (germline): Uncertain significance. Review status: criteria provided, multiple submitters, no conflicts (2 of 4 stars). 2 submissions from 2 submitters: Uncertain significance (2). Last evaluated 2024-04-04.

Allele frequency attached by ClinVar (database versions not stated): gnomAD 0.00001; ExAC 0.00002; gnomAD exomes 0.00002; TOPMed 0.00002.
gnomAD v4.1: 10 of 1,614,018 alleles (0.00062%); highest among the groups gnomAD compares: Admixed American, 0.012%; no homozygotes.

Submissions (2):

GeneDx
Classification: Uncertain significance. Last evaluated: 2024-04-04. Review status: criteria provided, single submitter. Criteria: GeneDx Variant Classification Process June 2021. Collection method: clinical testing. Allele origin: germline. Affected: yes.
Comment: In silico analysis supports that this missense variant has a deleterious effect on protein structure/function; Has not been previously published as pathogenic or benign to our knowledge

Labcorp Genetics (formerly Invitae), Labcorp
Classification: Uncertain significance. Last evaluated: 2022-08-13. Review status: criteria provided, single submitter. Criteria: Invitae Variant Classification Sherloc (09022015). Collection method: clinical testing. Allele origin: germline.
Comment: This sequence change replaces histidine, which is basic and polar, with arginine, which is basic and polar, at codon 97 of the ADGRG1 protein (p.His97Arg). This variant is present in population databases (rs759839737, gnomAD 0.02%). This variant has not been reported in the literature in individuals affected with ADGRG1-related conditions. Advanced modeling of protein sequence and biophysical properties (such as structural, functional, and spatial information, amino acid conservation, physicochemical variation, residue mobility, and thermodynamic stability) performed at Invitae indicates that this missense variant is not expected to disrupt ADGRG1 protein function. In summary, the available evidence is currently insufficient to determine the role of this variant in disease. Therefore, it has been classified as a Variant of Uncertain Significance.